The following is an entry in ClinVar:

NM_015662.3(IFT172):c.2437G>A (p.Glu813Lys)

Gene: IFT172 (intraflagellar transport 172; minus strand). Cytogenetic location: 2p23.3.
Variant type: single nucleotide variant.
Coding change: c.2437G>A on transcript NM_015662.3 (MANE Select); coding-DNA position 2437, G replaced by A.
Protein change: p.Glu813Lys; replaces glutamic acid 813 with lysine.
Molecular consequence: missense variant.
Genome position (GRCh38, 1-based): chr2:27,461,274, C>T on the plus strand (G>A on the coding strand, the complement: IFT172 is on the minus strand). VCF-style: chr2-27461274-C-T. GRCh37 (hg19) VCF-style: chr2-27684141-C-T.
Other names: short protein forms E813K.
Identifiers: ClinVar variation 1008547 (VCV001008547.10), dbSNP rs1036729851, ClinGen allele CA44497890.

ClinVar aggregate classification (germline): Uncertain significance. Review status: criteria provided, multiple submitters, no conflicts (2 of 4 stars). 4 submissions from 4 submitters: Uncertain significance (4). Last evaluated 2026-08-12.

Conditions:
Bardet-Biedl syndrome 20. Identifiers: MedGen C4310707, MONDO:0023670, OMIM 619471, MONDO:0014926.
Retinitis pigmentosa 71 (RP71). Identifiers: Orphanet 791, MedGen C4225342, MONDO:0014618, OMIM 616394.
Short-rib thoracic dysplasia 10 with or without polydactyly (SRTD10). Identifiers: Orphanet 474, MedGen C3810175, MONDO:0014284, OMIM 615630.
IFT172-related disorder. Also called: IFT172-related condition; IFT172-related disorders.

Allele frequency attached by ClinVar (database versions not stated): gnomAD exomes 0.00001 and 0.00002; TOPMed 0.00001.
gnomAD v4.1: 20 of 1,614,058 alleles (0.0012%); highest among the groups gnomAD compares: South Asian, 0.0088%; no homozygotes.

Submissions (4):

PreventionGenetics, part of Exact Sciences
Classification: Uncertain significance for IFT172-related condition. Last evaluated: 2026-08-12. Review status: criteria provided, single submitter. Criteria: ACMG Guidelines, 2015. Collection method: clinical testing. Allele origin: germline.
Comment: The IFT172 c.2437G>A variant is predicted to result in the amino acid substitution p.Glu813Lys. To our knowledge, this variant has not been reported in the literature. This variant is reported in 0.0098% of alleles in individuals of South Asian descent in gnomAD. At this time, the clinical significance of this variant is uncertain due to the absence of conclusive functional and genetic evidence.

Fulgent Genetics
Classification: Uncertain significance for Short-rib thoracic dysplasia 10 with or without polydactyly; Retinitis pigmentosa 71; Bardet-Biedl syndrome 20. Last evaluated: 2024-03-21. Review status: criteria provided, single submitter. Criteria: ACMG Guidelines, 2015. Collection method: clinical testing. Allele origin: germline.

Labcorp Genetics (formerly Invitae), Labcorp
Classification: Uncertain significance for Retinitis pigmentosa 71; Short-rib thoracic dysplasia 10 with or without polydactyly. Last evaluated: 2022-07-28. Review status: criteria provided, single submitter. Criteria: Invitae Variant Classification Sherloc (09022015). Collection method: clinical testing. Allele origin: germline.
Comment: This sequence change replaces glutamic acid, which is acidic and polar, with lysine, which is basic and polar, at codon 813 of the IFT172 protein (p.Glu813Lys). This variant is present in population databases (no rsID available, gnomAD 0.01%). This variant has not been reported in the literature in individuals affected with IFT172-related conditions. ClinVar contains an entry for this variant (Variation ID: 1008547). Algorithms developed to predict the effect of missense changes on protein structure and function are either unavailable or do not agree on the potential impact of this missense change (SIFT: "Deleterious"; PolyPhen-2: "Probably Damaging"; Align-GVGD: "Class C0"). In summary, the available evidence is currently insufficient to determine the role of this variant in disease. Therefore, it has been classified as a Variant of Uncertain Significance.

Genetic Services Laboratory, University of Chicago
Classification: Uncertain significance. Last evaluated: 2021-03-15. Review status: criteria provided, single submitter. Criteria: ACMG Guidelines, 2015. Collection method: clinical testing. Allele origin: germline. Affected: no.
Comment: DNA sequence analysis of the IFT172 gene demonstrated a sequence change, c.2437G>A, in exon 22 that results in an amino acid change, p.Glu813Lys. This sequence change has been described in gnomAD with a population frequency of 0.0018% (dbSNP rs1036729851). The p.Glu813Lys change affects a highly conserved amino acid residue located in a domain of the IFT172 protein that is known to be functional. In-silico pathogenicity prediction tools (SIFT, PolyPhen2, Align GVGD, REVEL) provide contradictory results for the p.Glu813Lys substitution. This sequence change does not appear to have been previously described in patients with IFT172-related disorders. Due to the lack of sufficient evidences, the clinical significance of the p.Glu813Lys change remains unknown at this time.